The following is an entry in ClinVar:

NM_001171971.3(CDHR1):c.2163C>T (p.Cys721=)

Gene: CDHR1 (cadherin related family member 1; plus strand). Cytogenetic location: 10q23.1.
Variant type: single nucleotide variant.
Coding change: c.2163C>T on transcript NM_001171971.3; coding-DNA position 2163, C replaced by T.
Protein change: p.Cys721=; no amino-acid change (cysteine 721 retained).
Molecular consequence: synonymous variant.
Genome position (GRCh38, 1-based): chr10:84,219,201, C>T. VCF-style: chr10-84219201-C-T. GRCh37 (hg19) VCF-style: chr10-85978957-C-T.
Identifiers: ClinVar variation 3052128 (VCV003052128.3), dbSNP rs561787050, ClinGen allele CA5580290.

ClinVar aggregate classification (germline): Likely benign. Review status: criteria provided, single submitter (1 of 4 stars). 2 submissions from 2 submitters: Likely benign (1). 1 of the submissions does not count toward it. Last evaluated 2024-02-19.

Conditions:
CDHR1-related disorder. Also called: CDHR1-related condition.

Allele frequency attached by ClinVar (database versions not stated): 1000 Genomes Project 0.00020; 1000 Genomes Project 30x 0.00031; gnomAD 0.00018; ExAC 0.00006; TOPMed 0.00011.
gnomAD v4.1: 45 of 1,550,784 alleles (0.0029%); highest among the groups gnomAD compares: African/African-American, 0.041%; no homozygotes.

Submissions (2):

Blueprint Genetics
Classification: Likely benign. Last evaluated: 2024-02-19. Review status: criteria provided, single submitter. Criteria: ACMG Guidelines, 2015. Collection method: clinical testing. Allele origin: germline.

PreventionGenetics, part of Exact Sciences
Classification: Likely benign for CDHR1-related condition. Last evaluated: 2020-02-20. Review status: no assertion criteria provided. Collection method: clinical testing. Allele origin: germline. Not counted in ClinVar's aggregate classification.
Comment: This variant is classified as likely benign based on ACMG/AMP sequence variant interpretation guidelines (Richards et al. 2015 PMID: 25741868, with internal and published modifications).